The following is an entry in ClinVar:

ClinVar aggregate classification (germline): Uncertain significance (1 of 4 stars; one submission).

Submission:

Labcorp Genetics (formerly Invitae), Labcorp
Classification: Uncertain significance. Last evaluated: 2023-07-10. Review status: criteria provided, single submitter. Criteria: Invitae Variant Classification Sherloc (09022015). Collection method: clinical testing. Allele origin: germline.
Comment: In summary, the available evidence is currently insufficient to determine the role of this variant in disease. Therefore, it has been classified as a Variant of Uncertain Significance. An algorithm developed to predict the effect of missense changes on protein structure and function (PolyPhen-2) suggests that this variant is likely to be tolerated. ClinVar contains an entry for this variant (Variation ID: 473765). This variant has not been reported in the literature in individuals affected with POLE-related conditions. This variant is not present in population databases (gnomAD no frequency). This sequence change replaces leucine, which is neutral and non-polar, with valine, which is neutral and non-polar, at codon 1937 of the POLE protein (p.Leu1937Val).

NM_006231.4(POLE):c.5809C>G (p.Leu1937Val)

Gene: POLE (DNA polymerase epsilon, catalytic subunit; minus strand). Cytogenetic location: 12q24.33.
Variant type: single nucleotide variant.
Coding change: c.5809C>G on transcript NM_006231.4 (MANE Select); coding-DNA position 5809, C replaced by G.
Protein change: p.Leu1937Val; replaces leucine 1937 with valine.
Molecular consequence: missense variant.
Genome position (GRCh38, 1-based): chr12:132,635,894, G>C on the plus strand (C>G on the coding strand, the complement: POLE is on the minus strand). VCF-style: chr12-132635894-G-C. GRCh37 (hg19) VCF-style: chr12-133212480-G-C.
Other names: short protein forms L1937V.
Identifiers: ClinVar variation 473765 (VCV000473765.8), dbSNP rs1555221482, ClinGen allele CA387372668.